The following is an entry in ClinVar:

NM_000051.4(ATM):c.3402+2T>G

Gene: ATM (ATM serine/threonine kinase; plus strand). Cytogenetic location: 11q22.3.
Variant type: single nucleotide variant.
Coding change: c.3402+2T>G on transcript NM_000051.4 (MANE Select); the canonical splice donor site of the intron after coding-DNA position 3402, T replaced by G.
Molecular consequence: splice donor variant.
Genome position (GRCh38, 1-based): chr11:108,279,610, T>G. VCF-style: chr11-108279610-T-G. GRCh37 (hg19) VCF-style: chr11-108150337-T-G.
Other names: c.3402+2T>G (NM_001351834.2).
Identifiers: ClinVar variation 3450937 (VCV003450937.2).
Genomic context (GRCh38, chr11:108,279,610, plus strand): 5'-TTCAGCAAACAGCTTTTGAAAATGCATACTTGAAAGCTCAGGAAGGAATGAGAGAAATGG[T>G]AATTTTAAGTAACATGTATTTGCTGTTATCATATGCTTGCTATGAATATCCCATAAATTA-3'

ClinVar aggregate classification (germline): Likely pathogenic. Review status: criteria provided, multiple submitters, no conflicts (2 of 4 stars). 2 submissions from 2 submitters: Likely pathogenic (2). Last evaluated 2025-06-06.

Conditions:
Hereditary cancer-predisposing syndrome. Also called: Tumor predisposition; Neoplastic Syndromes, Hereditary; Hereditary neoplastic syndrome; Hereditary Cancer Syndrome. Identifiers: Orphanet 140162, MedGen C0027672, MeSH D009386, MONDO:0015356.
Familial cancer of breast. Also called: Hereditary breast cancer; hereditary breast carcinoma; BREAST CANCER, FAMILIAL. Identifiers: Orphanet 227535, MedGen C0346153, MONDO:0016419, OMIM 114480. Disease mechanism: loss of function.

Submissions (2):

Myriad Genetics, Inc.
Classification: Likely pathogenic for Familial cancer of breast. Last evaluated: 2025-06-06. Review status: criteria provided, single submitter. Criteria: Myriad Autosomal Dominant, Autosomal Recessive and X-Linked Classification Criteria (2023). Collection method: clinical testing. Allele origin: unknown.
Comment: This variant is considered likely pathogenic. This variant occurs within a consensus splice junction and is predicted to result in abnormal mRNA splicing of either an out-of-frame exon or an in-frame exon necessary for protein stability and/or normal function.

Ambry Genetics
Classification: Likely pathogenic for Hereditary cancer-predisposing syndrome. Last evaluated: 2024-09-13. Review status: criteria provided, single submitter. Criteria: Ambry Variant Classification Scheme 2023. Collection method: clinical testing. Allele origin: germline.
Comment: The c.3402+2T>G intronic variant results from a T to G substitution two nucleotides after coding exon 22 in the ATM gene. This nucleotide position is highly conserved in available vertebrate species. This variant is considered to be rare based on population cohorts in the Genome Aggregation Database (gnomAD). In silico splice site analysis predicts that this alteration will weaken the native splice donor site. RNA studies have demonstrated that this alteration results in abnormal splicing in the set of samples tested (Ambry internal data). Based on the majority of available evidence to date, this variant is likely to be pathogenic.